The following is an entry in ClinVar:

ClinVar aggregate classification (germline): Uncertain significance. Review status: criteria provided, multiple submitters, no conflicts (2 of 4 stars). 3 submissions from 3 submitters: Uncertain significance (3). Last evaluated 2022-07-06.

Conditions:
Muscular dystrophy-dystroglycanopathy type B6 (MDDGB6). Also called: MUSCULAR DYSTROPHY-DYSTROGLYCANOPATHY (CONGENITAL WITH IMPAIRED INTELLECTUAL DEVELOPMENT), TYPE B, 6; MUSCULAR DYSTROPHY, CONGENITAL, LARGE-RELATED; MUSCULAR DYSTROPHY, CONGENITAL, TYPE 1D. Identifiers: MedGen C1837229, MONDO:0012138, OMIM 608840.

Allele frequency attached by ClinVar (database versions not stated): gnomAD exomes 0.00004; 1000 Genomes Project 30x 0.00016; ExAC 0.00005; gnomAD 0.00013; 1000 Genomes Project 0.00020.
gnomAD v4.1: 30 of 1,614,232 alleles (0.0019%); highest among the groups gnomAD compares: East Asian, 0.0022%; no homozygotes.

Submissions (3):

Labcorp Genetics (formerly Invitae), Labcorp
Classification: Uncertain significance for Muscular dystrophy-dystroglycanopathy type B6. Last evaluated: 2022-07-06. Review status: criteria provided, single submitter. Criteria: Invitae Variant Classification Sherloc (09022015). Collection method: clinical testing. Allele origin: germline.
Comment: This sequence change replaces arginine, which is basic and polar, with histidine, which is basic and polar, at codon 526 of the LARGE1 protein (p.Arg526His). This variant is present in population databases (rs536420427, gnomAD 0.008%). This variant has not been reported in the literature in individuals affected with LARGE1-related conditions. ClinVar contains an entry for this variant (Variation ID: 167251). Algorithms developed to predict the effect of missense changes on protein structure and function (SIFT, PolyPhen-2, Align-GVGD) all suggest that this variant is likely to be disruptive. In summary, the available evidence is currently insufficient to determine the role of this variant in disease. Therefore, it has been classified as a Variant of Uncertain Significance.

CeGaT Center for Human Genetics Tuebingen
Classification: Uncertain significance. Last evaluated: 2016-05-01. Review status: criteria provided, single submitter. Criteria: CeGaT Center For Human Genetics Tuebingen Variant Classification Criteria Version 2. Collection method: clinical testing. Allele origin: germline. Affected: yes. Observed: 1 variant allele.

Eurofins Ntd Llc (ga)
Classification: Uncertain significance. Last evaluated: 2014-02-20. Review status: criteria provided, single submitter. Criteria: EGL Classification Definitions 2015. Collection method: clinical testing. Allele origin: germline. Observed: 1 variant allele, 1 heterozygote.

NM_133642.5(LARGE1):c.1577G>A (p.Arg526His)

Gene: LARGE1 (LARGE xylosyl- and glucuronyltransferase 1; minus strand). Cytogenetic location: 22q12.3.
Variant type: single nucleotide variant.
Coding change: c.1577G>A on transcript NM_133642.5 (MANE Select); coding-DNA position 1577, G replaced by A.
Protein change: p.Arg526His; replaces arginine 526 with histidine.
Molecular consequence: missense variant.
Genome position (GRCh38, 1-based): chr22:33,304,382, C>T on the plus strand (G>A on the coding strand, the complement: LARGE1 is on the minus strand). VCF-style: chr22-33304382-C-T. GRCh37 (hg19) VCF-style: chr22-33700368-C-T.
Other names: c.1577G>A, p.Arg526His (NM_001362949.2, NM_001362951.2, NM_001362953.2 and 6 more transcripts); c.1421G>A, p.Arg474His (NM_001378629.1); c.974G>A, p.Arg325His (NM_001378630.1); c.818G>A, p.Arg273His (NM_001378631.1); short protein forms R526H, R273H, R325H, R474H.
Identifiers: ClinVar variation 167251 (VCV000167251.49), dbSNP rs536420427, ClinGen allele CA234211.